The following is an entry in ClinVar:

NM_000051.4(ATM):c.6754A>C (p.Thr2252Pro)

Genes: ATM (ATM serine/threonine kinase; plus strand), C11orf65 (chromosome 11 open reading frame 65; minus strand). Cytogenetic location: 11q22.3.
Variant type: single nucleotide variant.
Coding change: c.6754A>C on transcript NM_000051.4 (MANE Select); coding-DNA position 6754, A replaced by C.
Protein change: p.Thr2252Pro; replaces threonine 2252 with proline.
Molecular consequence: missense variant. On other transcripts: intron variant (2).
Genome position (GRCh38, 1-based): chr11:108,325,491, A>C. VCF-style: chr11-108325491-A-C. GRCh37 (hg19) VCF-style: chr11-108196218-A-C.
Other names: c.6754A>C, p.Thr2252Pro (NM_001351834.2); c.641-16420T>G (NM_001330368.2); c.*38+9729T>G (NM_001351110.2); short protein forms T2252P.
Identifiers: ClinVar variation 1046068 (VCV001046068.20), dbSNP rs1262434611, ClinGen allele CA382555294.

ClinVar aggregate classification (germline): Uncertain significance. Review status: criteria provided, multiple submitters, no conflicts (2 of 4 stars). 4 submissions from 4 submitters: Uncertain significance (3). 1 of the submissions does not count toward it. Last evaluated 2024-03-14.

Conditions:
Hereditary cancer-predisposing syndrome. Also called: Neoplastic Syndromes, Hereditary; Tumor predisposition; Hereditary Cancer Syndrome; Hereditary neoplastic syndrome. Identifiers: Orphanet 140162, MedGen C0027672, MeSH D009386, MONDO:0015356.
Familial cancer of breast. Also called: Hereditary breast cancer; hereditary breast carcinoma; BREAST CANCER, FAMILIAL. Identifiers: Orphanet 227535, MedGen C0346153, MONDO:0016419, OMIM 114480. Disease mechanism: loss of function.
Ataxia-telangiectasia syndrome (AT). Also called: Ataxia telangiectasia (A-T); ATAXIA-TELANGIECTASIA, COMPLEMENTATION GROUP A; ATAXIA-TELANGIECTASIA, FRESNO VARIANT; Ataxia-telangiectasia; Ataxia-telangiectasia, complementation group E; LOUIS-BAR SYNDROME. Identifiers: Orphanet 100, MedGen C0004135, MONDO:0008840, OMIM 208900.

Allele frequency attached by ClinVar (database versions not stated): gnomAD exomes below 0.00001; TOPMed 0.00001.
gnomAD v4.1: 1 of 1,613,510 alleles (0.000062%); highest among the groups gnomAD compares: Admixed American, 0.0017%; no homozygotes.

Submissions (4):

Labcorp Genetics (formerly Invitae), Labcorp
Classification: Uncertain significance for Ataxia-telangiectasia syndrome. Last evaluated: 2024-03-14. Review status: criteria provided, single submitter. Criteria: Invitae Variant Classification Sherloc (09022015). Collection method: clinical testing. Allele origin: germline.
Comment: This sequence change replaces threonine, which is neutral and polar, with proline, which is neutral and non-polar, at codon 2252 of the ATM protein (p.Thr2252Pro). This variant is present in population databases (no rsID available, gnomAD 0.003%). This variant has not been reported in the literature in individuals affected with ATM-related conditions. ClinVar contains an entry for this variant (Variation ID: 1046068). An algorithm developed to predict the effect of missense changes on protein structure and function (PolyPhen-2) suggests that this variant is likely to be disruptive. In summary, the available evidence is currently insufficient to determine the role of this variant in disease. Therefore, it has been classified as a Variant of Uncertain Significance.

Baylor Genetics
Classification: Uncertain significance for Familial cancer of breast. Last evaluated: 2023-10-16. Review status: criteria provided, single submitter. Criteria: ACMG Guidelines, 2015. Collection method: clinical testing. Allele origin: unknown.

Ambry Genetics
Classification: Uncertain significance for Hereditary cancer-predisposing syndrome. Last evaluated: 2021-09-21. Review status: criteria provided, single submitter. Criteria: Ambry Variant Classification Scheme 2023. Collection method: clinical testing. Allele origin: germline.
Comment: The p.T2252P variant (also known as c.6754A>C), located in coding exon 45 of the ATM gene, results from an A to C substitution at nucleotide position 6754. The threonine at codon 2252 is replaced by proline, an amino acid with highly similar properties. This amino acid position is conserved. In addition, this alteration is predicted to be deleterious by in silico analysis. Since supporting evidence is limited at this time, the clinical significance of this alteration remains unclear.

Natera, Inc.
Classification: Uncertain significance for Ataxia-telangiectasia. Last evaluated: 2020-12-31. Review status: no assertion criteria provided. Collection method: clinical testing. Allele origin: germline. Not counted in ClinVar's aggregate classification.